The following is an entry in ClinVar:

ClinVar aggregate classification (germline): Uncertain significance. Review status: criteria provided, multiple submitters, no conflicts (2 of 4 stars). 2 submissions from 2 submitters: Uncertain significance (2). Last evaluated 2020-07-12.

Submissions (2):

Labcorp Genetics (formerly Invitae), Labcorp
Classification: Uncertain significance. Last evaluated: 2020-07-12. Review status: criteria provided, single submitter. Criteria: Invitae Variant Classification Sherloc (09022015). Collection method: clinical testing. Allele origin: germline.
Comment: In summary, the available evidence is currently insufficient to determine the role of this variant in disease. Therefore, it has been classified as a Variant of Uncertain Significance. Nucleotide substitutions within the consensus splice site are a relatively common cause of aberrant splicing (PMID: 17576681, 9536098). Algorithms developed to predict the effect of missense changes on protein structure and function (SIFT, PolyPhen-2, Align-GVGD) all suggest that this variant is likely to be disruptive, but these predictions have not been confirmed by published functional studies and their clinical significance is uncertain. This variant has been observed in individual(s) with familial exudative vitreoretinopathy (PMID: 25711638). This variant is not present in population databases (ExAC no frequency). This sequence change replaces glycine with aspartic acid at codon 773 of the LRP5 protein (p.Gly773Asp). The glycine residue is highly conserved and there is a moderate physicochemical difference between glycine and aspartic acid. This variant also falls at the last nucleotide of exon 10 of the LRP5 coding sequence, which is part of the consensus splice site for this exon.

GeneDx
Classification: Uncertain significance. Last evaluated: 2019-09-05. Review status: criteria provided, single submitter. Criteria: GeneDx Variant Classification Process June 2021. Collection method: clinical testing. Allele origin: germline. Affected: yes.
Comment: Not observed in large population cohorts (Lek et al., 2016); In silico analysis, which includes protein predictors and evolutionary conservation, supports a deleterious effect; This variant is associated with the following publications: (PMID: 25711638)

Literature cited by the submitters: PubMed 17576681 (cited by Labcorp Genetics (formerly Invitae), Labcorp); PubMed 9536098 (cited by Labcorp Genetics (formerly Invitae), Labcorp); PubMed 25711638 (cited by Labcorp Genetics (formerly Invitae), Labcorp).

NM_002335.4(LRP5):c.2318G>A (p.Gly773Asp)

Gene: LRP5 (LDL receptor related protein 5; plus strand). Cytogenetic location: 11q13.2.
Variant type: single nucleotide variant.
Coding change: c.2318G>A on transcript NM_002335.4 (MANE Select); coding-DNA position 2318, G replaced by A.
Protein change: p.Gly773Asp; replaces glycine 773 with aspartic acid.
Molecular consequence: missense variant.
Genome position (GRCh38, 1-based): chr11:68,410,140, G>A. VCF-style: chr11-68410140-G-A. GRCh37 (hg19) VCF-style: chr11-68177608-G-A.
Other names: c.575G>A, p.Gly192Asp (NM_001291902.2); short protein forms G773D, G192D.
Identifiers: ClinVar variation 1038437 (VCV001038437.10), dbSNP rs2098658610, ClinGen allele CA381616741.